The following is an entry in ClinVar:

NM_182914.3(SYNE2):c.18829A>G (p.Ser6277Gly)

Gene: SYNE2 (spectrin repeat containing nuclear envelope protein 2; plus strand). Cytogenetic location: 14q23.2.
Variant type: single nucleotide variant.
Coding change: c.18829A>G on transcript NM_182914.3 (MANE Select); coding-DNA position 18829, A replaced by G.
Protein change: p.Ser6277Gly; replaces serine 6277 with glycine.
Molecular consequence: missense variant.
Genome position (GRCh38, 1-based): chr14:64,212,066, A>G. VCF-style: chr14-64212066-A-G. GRCh37 (hg19) VCF-style: chr14-64678784-A-G.
Other names: c.18829A>G, p.Ser6277Gly (NM_015180.6); short protein forms S6277G.
Identifiers: ClinVar variation 2831517 (VCV002831517.3), dbSNP rs754364107, ClinGen allele CA7224221.

ClinVar aggregate classification (germline): Uncertain significance (1 of 4 stars; one submission).

Conditions:
Emery-Dreifuss muscular dystrophy 5, autosomal dominant (EDMD5). Also called: EMERY-DREIFUSS MUSCULAR DYSTROPHY 5. Identifiers: Orphanet 261, MedGen C2751805, MONDO:0013072, OMIM 612999.

Allele frequency attached by ClinVar (database versions not stated): gnomAD exomes below 0.00001; TOPMed 0.00001; ExAC 0.00002; gnomAD 0.00002.
gnomAD v4.1: 8 of 1,614,028 alleles (0.0005%); highest among the groups gnomAD compares: East Asian, 0.016%; no homozygotes.

Submission:

Labcorp Genetics (formerly Invitae), Labcorp
Classification: Uncertain significance for Emery-Dreifuss muscular dystrophy 5, autosomal dominant. Last evaluated: 2023-01-19. Review status: criteria provided, single submitter. Criteria: Invitae Variant Classification Sherloc (09022015). Collection method: clinical testing. Allele origin: germline.
Comment: This variant has not been reported in the literature in individuals affected with SYNE2-related conditions. This variant is present in population databases (rs754364107, gnomAD 0.03%). This sequence change replaces serine, which is neutral and polar, with glycine, which is neutral and non-polar, at codon 6277 of the SYNE2 protein (p.Ser6277Gly). In summary, the available evidence is currently insufficient to determine the role of this variant in disease. Therefore, it has been classified as a Variant of Uncertain Significance. Algorithms developed to predict the effect of missense changes on protein structure and function are either unavailable or do not agree on the potential impact of this missense change (SIFT: "Tolerated"; PolyPhen-2: "Probably Damaging"; Align-GVGD: "Class C0").